The following is an entry in ClinVar:

NM_033004.4(NLRP1):c.4015A>G (p.Lys1339Glu)

Gene: NLRP1 (NLR family pyrin domain containing 1; minus strand). Cytogenetic location: 17p13.2.
Variant type: single nucleotide variant.
Coding change: c.4015A>G on transcript NM_033004.4 (MANE Select); coding-DNA position 4015, A replaced by G.
Protein change: p.Lys1339Glu; replaces lysine 1339 with glutamic acid.
Molecular consequence: missense variant.
Genome position (GRCh38, 1-based): chr17:5,517,788, T>C on the plus strand (A>G on the coding strand, the complement: NLRP1 is on the minus strand). VCF-style: chr17-5517788-T-C. GRCh37 (hg19) VCF-style: chr17-5421108-T-C.
Other names: c.4027A>G, p.Lys1343Glu (NM_001033053.3); c.3883A>G, p.Lys1295Glu (NM_014922.5); c.3925A>G, p.Lys1309Glu (NM_033006.4); c.3793A>G, p.Lys1265Glu (NM_033007.4); short protein forms K1295E, K1343E, K1265E, K1339E, K1309E.
Identifiers: ClinVar variation 2798943 (VCV002798943.3), dbSNP rs2507708710, ClinGen allele CA397388427.

ClinVar aggregate classification (germline): Uncertain significance (1 of 4 stars; one submission).

Submission:

Labcorp Genetics (formerly Invitae), Labcorp
Classification: Uncertain significance. Last evaluated: 2023-09-15. Review status: criteria provided, single submitter. Criteria: Invitae Variant Classification Sherloc (09022015). Collection method: clinical testing. Allele origin: germline.
Comment: This variant has not been reported in the literature in individuals affected with NLRP1-related conditions. This sequence change replaces lysine, which is basic and polar, with glutamic acid, which is acidic and polar, at codon 1339 of the NLRP1 protein (p.Lys1339Glu). This variant is not present in population databases (gnomAD no frequency). An algorithm developed to predict the effect of missense changes on protein structure and function (PolyPhen-2) suggests that this variant is likely to be disruptive. In summary, the available evidence is currently insufficient to determine the role of this variant in disease. Therefore, it has been classified as a Variant of Uncertain Significance.